The following is an entry in ClinVar:

NM_018006.5(TRMU):c.1176G>A (p.Thr392=)

Gene: TRMU (tRNA mitochondrial 2-thiouridylase; plus strand). Cytogenetic location: 22q13.31.
Variant type: single nucleotide variant.
Coding change: c.1176G>A on transcript NM_018006.5 (MANE Select); coding-DNA position 1176, G replaced by A.
Protein change: p.Thr392=; no amino-acid change (threonine 392 retained).
Molecular consequence: synonymous variant. On other transcripts: missense variant (2), non-coding transcript variant (2).
Genome position (GRCh38, 1-based): chr22:46,356,916, G>A. VCF-style: chr22-46356916-G-A. GRCh37 (hg19) VCF-style: chr22-46752813-G-A.
Other names: p.T392T:ACG>ACA; c.834G>A, p.Thr278= (NM_001282782.2); c.756G>A, p.Thr252= (NM_001282783.2); c.673G>A, p.Ala225Thr (NM_001282784.2); c.1093G>A, p.Ala365Thr (NM_001282785.2); short protein forms A225T, A365T.
Identifiers: ClinVar variation 137715 (VCV000137715.21), dbSNP rs34591580, ClinGen allele CA291381.

ClinVar aggregate classification (germline): Benign. Review status: criteria provided, multiple submitters, no conflicts (2 of 4 stars). 7 submissions from 7 submitters: Benign (5). 2 of the submissions do not count toward it. Last evaluated 2026-02-02.

Conditions:
Acute infantile liver failure due to synthesis defect of mtDNA-encoded proteins. Also called: Liver failure acute infantile; TRMU Deficiency; LIVER FAILURE, INFANTILE, TRANSIENT. Identifiers: Orphanet 217371, MedGen C3278664, MONDO:0013111, OMIM 613070.

Allele frequency attached by ClinVar (database versions not stated): ExAC 0.02073; gnomAD 0.06365 and 0.06826; TOPMed 0.07142; 1000 Genomes Project 0.07308; ESP Exome Variant Server 0.07535; 1000 Genomes Project 30x 0.07917.

Submissions (7):

Labcorp Genetics (formerly Invitae), Labcorp
Classification: Benign. Last evaluated: 2026-02-02. Review status: criteria provided, single submitter. Criteria: Invitae Variant Classification Sherloc (09022015). Collection method: clinical testing. Allele origin: germline.

Illumina Laboratory Services, Illumina
Classification: Benign for Acute infantile liver failure due to synthesis defect of mtDNA-encoded proteins. Last evaluated: 2018-01-12. Review status: criteria provided, single submitter. Criteria: ICSL Variant Classification Criteria 13 December 2019. Collection method: clinical testing. Allele origin: germline.
Comment: This variant was observed in the ICSL laboratory as part of a predisposition screen in an ostensibly healthy population. It had not been previously curated by ICSL or reported in the Human Gene Mutation Database (HGMD: prior to June 1st, 2018), and was therefore a candidate for classification through an automated scoring system. Utilizing variant allele frequency, disease prevalence and penetrance estimates, and inheritance mode, an automated score was calculated to assess if this variant is too frequent to cause the disease. Based on the score and internal cut-off values, a variant classified as benign is not then subjected to further curation. The score for this variant resulted in a classification of benign for this disease.

Eurofins Ntd Llc (ga)
Classification: Benign. Last evaluated: 2016-03-08. Review status: criteria provided, single submitter. Criteria: EGL Classification Definitions 2015. Collection method: clinical testing. Allele origin: germline. Observed: 1 variant allele, 1 heterozygote.

GeneDx
Classification: Benign. Last evaluated: 2012-09-05. Review status: criteria provided, single submitter. Criteria: GeneDx Variant Classification (06012015). Collection method: clinical testing. Allele origin: germline. Affected: yes.
Comment: This variant is considered likely benign or benign based on one or more of the following criteria: it is a conservative change, it occurs at a poorly conserved position in the protein, it is predicted to be benign by multiple in silico algorithms, and/or has population frequency not consistent with disease.

Breakthrough Genomics
Classification: Benign. Review status: criteria provided, single submitter. Criteria: ACMG Guidelines, 2015. Collection method: not provided. Allele origin: germline. Inheritance: Unknown mechanism. Affected: yes.

Natera, Inc.
Classification: Benign for Transient infantile liver failure. Last evaluated: 2020-09-16. Review status: no assertion criteria provided. Collection method: clinical testing. Allele origin: germline. Not counted in ClinVar's aggregate classification.

Mayo Clinic Laboratories, Mayo Clinic
Classification: Benign. Last evaluated: 2016-02-29. Review status: no assertion criteria provided. Collection method: clinical testing. Allele origin: unknown. Not counted in ClinVar's aggregate classification.